The following is an entry in ClinVar:

NM_001723.7(DST):c.7322A>G (p.Lys2441Arg)

Gene: DST (dystonin; minus strand). Cytogenetic location: 6p12.1.
Variant type: single nucleotide variant.
Coding change: c.7322A>G on transcript NM_001723.7 (MANE Plus Clinical); coding-DNA position 7322, A replaced by G.
Protein change: p.Lys2441Arg; replaces lysine 2441 with arginine.
Molecular consequence: missense variant. On other transcripts: intron variant (10).
Genome position (GRCh38, 1-based): chr6:56,616,145, T>C on the plus strand (A>G on the coding strand, the complement: DST is on the minus strand). VCF-style: chr6-56616145-T-C. GRCh37 (hg19) VCF-style: chr6-56480943-T-C.
Other names: c.4831-1661A>G (NM_001144769.5); c.4930-1661A>G (NM_001374722.1, NM_001374736.1); c.4957-1661A>G (NM_001374734.1); c.4417-1661A>G (NM_001144770.2); c.4297-1661A>G (NM_001374730.1, NM_001386100.1, NM_183380.4 and 1 more transcripts); c.3319-1661A>G (NM_015548.5); short protein forms K2441R.
Identifiers: ClinVar variation 1418795 (VCV001418795.8), dbSNP rs2098615842, ClinGen allele CA364563240.

ClinVar aggregate classification (germline): Uncertain significance (1 of 4 stars; one submission).

Conditions:
Epidermolysis bullosa simplex 3, localized or generalized intermediate, with BP230 deficiency (EBS3). Also called: Epidermolysis bullosa simplex due to BP230 deficiency; Epidermolysis bullosa simplex, autosomal recessive 2. Identifiers: Orphanet 412181, MedGen C3809470, MONDO:0014180, OMIM 615425.
Hereditary sensory and autonomic neuropathy type 6. Also called: Neuropathy, hereditary sensory and autonomic, type VI; HSAN VI. Identifiers: Orphanet 314381, MedGen C3539003, MONDO:0013839, OMIM 614653.

Allele frequency attached by ClinVar (database versions not stated): TOPMed below 0.00001.

Submission:

Labcorp Genetics (formerly Invitae), Labcorp
Classification: Uncertain significance for Epidermolysis bullosa simplex 3, localized or generalized intermediate, with BP230 deficiency; Hereditary sensory and autonomic neuropathy type 6. Last evaluated: 2021-06-21. Review status: criteria provided, single submitter. Criteria: Invitae Variant Classification Sherloc (09022015). Collection method: clinical testing. Allele origin: germline.
Comment: This variant is not present in population databases (ExAC no frequency). This sequence change replaces lysine with arginine at codon 2441 of the DST protein (p.Lys2441Arg). The lysine residue is weakly conserved and there is a small physicochemical difference between lysine and arginine. This variant has not been reported in the literature in individuals with DST-related conditions. In summary, the available evidence is currently insufficient to determine the role of this variant in disease. Therefore, it has been classified as a Variant of Uncertain Significance. Algorithms developed to predict the effect of sequence changes on RNA splicing suggest that this variant may create or strengthen a splice site, but this prediction has not been confirmed by published transcriptional studies. Algorithms developed to predict the effect of missense changes on protein structure and function (SIFT, PolyPhen-2, Align-GVGD) all suggest that this variant is likely to be tolerated, but these predictions have not been confirmed by published functional studies and their clinical significance is uncertain.